The following is an entry in ClinVar:

ClinVar aggregate classification (germline): Pathogenic (1 of 4 stars; one submission).

Submission:

Labcorp Genetics (formerly Invitae), Labcorp
Classification: Pathogenic. Last evaluated: 2024-06-24. Review status: criteria provided, single submitter. Criteria: Invitae Variant Classification Sherloc (09022015). Collection method: clinical testing. Allele origin: germline.
Comment: This sequence change creates a premature translational stop signal (p.Asn307Serfs*10) in the ABCB11 gene. It is expected to result in an absent or disrupted protein product. Loss-of-function variants in ABCB11 are known to be pathogenic (PMID: 18395098, 20232290). This variant is not present in population databases (gnomAD no frequency). This variant has not been reported in the literature in individuals affected with ABCB11-related conditions. For these reasons, this variant has been classified as Pathogenic.

Literature cited by the submitters: PubMed 18395098; PubMed 20232290.

NM_003742.4(ABCB11):c.919_920del (p.Asn307fs)

Gene: ABCB11 (ATP binding cassette subfamily B member 11; minus strand). Cytogenetic location: 2q31.1.
Variant type: Deletion.
Coding change: c.919_920del on transcript NM_003742.4 (MANE Select); coding-DNA positions 919 to 920, 2 bases deleted (AA; older notation c.919_920delAA).
Protein change: p.Asn307fs; shifts the reading frame from asparagine 307.
Molecular consequence: frameshift variant.
Genome position (GRCh38, 1-based): chr2:168,986,273-168,986,274, TT deleted on the plus strand (AA on the coding strand, the reverse complement: ABCB11 is on the minus strand); deleting any 2 consecutive bases within chr2:168,986,273-168,986,277 gives the same sequence; the c. name uses the placement nearest the transcript's 3' end. VCF-style (leftmost placement, unchanged base first): chr2-168986272-ATT-A. GRCh37 (hg19) VCF-style: chr2-169842782-ATT-A.
Other names: short protein forms N307fs.
Identifiers: ClinVar variation 2698824 (VCV002698824.3), dbSNP rs2545432299, ClinGen allele CA2697551281.